The following is an entry in ClinVar:

ClinVar aggregate classification (germline): Uncertain significance (1 of 4 stars; one submission).

Submission:

Labcorp Genetics (formerly Invitae), Labcorp
Classification: Uncertain significance. Last evaluated: 2023-05-26. Review status: criteria provided, single submitter. Criteria: Invitae Variant Classification Sherloc (09022015). Collection method: clinical testing. Allele origin: germline.
Comment: In summary, the available evidence is currently insufficient to determine the role of this variant in disease. Therefore, it has been classified as a Variant of Uncertain Significance. An algorithm developed to predict the effect of missense changes on protein structure and function (PolyPhen-2) suggests that this variant is likely to be tolerated. This variant has not been reported in the literature in individuals affected with IGSF10-related conditions. This variant is not present in population databases (gnomAD no frequency). This sequence change replaces glutamic acid, which is acidic and polar, with glutamine, which is neutral and polar, at codon 2576 of the IGSF10 protein (p.Glu2576Gln).

NM_178822.5(IGSF10):c.7726G>C (p.Glu2576Gln)

Gene: IGSF10 (immunoglobulin superfamily member 10; minus strand). Cytogenetic location: 3q25.1.
Variant type: single nucleotide variant.
Coding change: c.7726G>C on transcript NM_178822.5 (MANE Select); coding-DNA position 7726, G replaced by C.
Protein change: p.Glu2576Gln; replaces glutamic acid 2576 with glutamine.
Molecular consequence: missense variant.
Genome position (GRCh38, 1-based): chr3:151,436,835, C>G on the plus strand (G>C on the coding strand, the complement: IGSF10 is on the minus strand). VCF-style: chr3-151436835-C-G. GRCh37 (hg19) VCF-style: chr3-151154623-C-G.
Other names: c.1663G>C, p.Glu555Gln (NM_001178145.3, NM_001178146.3); c.7726G>C, p.Glu2576Gln (NM_001385060.1, NM_001385061.1, NM_001385062.1 and 1 more transcripts); short protein forms E555Q, E2576Q.
Identifiers: ClinVar variation 2723907 (VCV002723907.3), dbSNP rs148320480, ClinGen allele CA354984987.